The following is an entry in ClinVar:

ClinVar aggregate classification (germline): Conflicting classifications of pathogenicity. Review status: criteria provided, conflicting classifications (1 of 4 stars). 2 submissions from 2 submitters: Uncertain significance (1); Likely benign (1). Last evaluated 2025-11-19.

Allele frequency attached by ClinVar (database versions not stated): ExAC 0.00001; gnomAD exomes 0.00001 and 0.00002; TOPMed 0.00011; gnomAD 0.00012 and 0.00013.
gnomAD v4.1: 38 of 1,614,054 alleles (0.0024%); highest among the groups gnomAD compares: African/African-American, 0.048%; no homozygotes.

Submissions (2):

Labcorp Genetics (formerly Invitae), Labcorp
Classification: Uncertain significance. Last evaluated: 2025-11-19. Review status: criteria provided, single submitter. Criteria: Invitae Variant Classification Sherloc (09022015). Collection method: clinical testing. Allele origin: germline.
Comment: This sequence change falls in intron 3 of the NCSTN gene. It does not directly change the encoded amino acid sequence of the NCSTN protein. It affects a nucleotide within the consensus splice site. This variant is present in population databases (rs199701562, gnomAD 0.04%). This variant has not been reported in the literature in individuals affected with NCSTN-related conditions. ClinVar contains an entry for this variant (Variation ID: 1415302). Variants that disrupt the consensus splice site are a relatively common cause of aberrant splicing (PMID: 17576681, 9536098). Algorithms developed to predict the effect of sequence changes on RNA splicing suggest that this variant may disrupt the consensus splice site. In summary, the available evidence is currently insufficient to determine the role of this variant in disease. Therefore, it has been classified as a Variant of Uncertain Significance.

Blueprint Genetics
Classification: Likely benign. Last evaluated: 2022-07-14. Review status: criteria provided, single submitter. Criteria: ACMG Guidelines, 2015. Collection method: clinical testing. Allele origin: germline.

Literature cited by the submitters: PubMed 17576681 (cited by Labcorp Genetics (formerly Invitae), Labcorp); PubMed 9536098 (cited by Labcorp Genetics (formerly Invitae), Labcorp).

NM_015331.3(NCSTN):c.314+3A>G

Gene: NCSTN (nicastrin; plus strand). Cytogenetic location: 1q23.2.
Variant type: single nucleotide variant.
Coding change: c.314+3A>G on transcript NM_015331.3 (MANE Select); 3 bases into the intron after coding-DNA position 314, A replaced by G.
Molecular consequence: intron variant.
Genome position (GRCh38, 1-based): chr1:160,349,125, A>G. VCF-style: chr1-160349125-A-G. GRCh37 (hg19) VCF-style: chr1-160318915-A-G.
Other names: c.254+3A>G (NM_001290184.2); c.314+3A>G (NM_001349729.2, NM_001290186.2).
Identifiers: ClinVar variation 1415302 (VCV001415302.7), dbSNP rs199701562, ClinGen allele CA1198654.